The following is an entry in ClinVar:

ClinVar aggregate classification (germline): Uncertain significance (1 of 4 stars; one submission).

Conditions:
Intellectual disability, autosomal recessive 53 (NEDHSCA). Also called: GLYCOSYLPHOSPHATIDYLINOSITOL BIOSYNTHESIS DEFECT 13; Mental retardation, autosomal recessive 53; NEURODEVELOPMENTAL DISORDER WITH OR WITHOUT HYPOTONIA, SEIZURES, AND CEREBELLAR ATROPHY. Identifiers: Orphanet 488635, MedGen C4310794, MONDO:0014832, OMIM 616917.

Submission:

Labcorp Genetics (formerly Invitae), Labcorp
Classification: Uncertain significance for Intellectual disability, autosomal recessive 53. Last evaluated: 2020-11-24. Review status: criteria provided, single submitter. Criteria: Invitae Variant Classification Sherloc (09022015). Collection method: clinical testing. Allele origin: germline.
Comment: This sequence change replaces valine with alanine at codon 400 of the PIGG protein (p.Val400Ala). The valine residue is weakly conserved and there is a small physicochemical difference between valine and alanine. In summary, the available evidence is currently insufficient to determine the role of this variant in disease. Therefore, it has been classified as a Variant of Uncertain Significance. Algorithms developed to predict the effect of missense changes on protein structure and function output the following: SIFT: "Tolerated"; PolyPhen-2: "Benign"; Align-GVGD: "Class C0". The alanine amino acid residue is found in multiple mammalian species, suggesting that this missense change does not adversely affect protein function. These predictions have not been confirmed by published functional studies and their clinical significance is uncertain. This variant has not been reported in the literature in individuals with PIGG-related conditions. This variant is not present in population databases (ExAC no frequency).

NM_001127178.3(PIGG):c.1199T>C (p.Val400Ala)

Gene: PIGG (phosphatidylinositol glycan anchor biosynthesis class G (EMM blood group); plus strand). Cytogenetic location: 4p16.3.
Variant type: single nucleotide variant.
Coding change: c.1199T>C on transcript NM_001127178.3 (MANE Select); coding-DNA position 1199, T replaced by C.
Protein change: p.Val400Ala; replaces valine 400 with alanine.
Molecular consequence: missense variant. On other transcripts: 5 prime UTR variant (2), non-coding transcript variant (10), intron variant (1).
Genome position (GRCh38, 1-based): chr4:521,140, T>C. VCF-style: chr4-521140-T-C. GRCh37 (hg19) VCF-style: chr4-514929-T-C.
Other names: c.932T>C, p.Val311Ala (NM_001289051.2, NM_001289053.2, NM_001345986.2 and 1 more transcripts); c.800T>C, p.Val267Ala (NM_001289052.2); c.833T>C, p.Val278Ala (NM_001289055.2); c.170T>C, p.Val57Ala (NM_001345988.2); c.1199T>C, p.Val400Ala (NM_001345989.2, NM_017733.5); c.-289T>C (NM_001345990.2, NM_001345991.2); c.125T>C, p.Val42Ala (NM_001345994.2); c.848-520T>C (NM_001289057.2); short protein forms V42A, V311A, V400A, V267A, V278A, V57A.
Identifiers: ClinVar variation 1488278 (VCV001488278.8), dbSNP rs2108940330, ClinGen allele CA355903789.
Genomic context (GRCh38, chr4:521,140, plus strand): 5'-TGTCAGAAAGATTGCATGGGAACTGGATCAGACTGTACTTGGAGGAAAAGCATTCAGAAG[T>C]CCTATTCAACCTGGGCTCCAAGGTTCTCAGGCAGTACCTGGATGCTCTGAAGACGCTGAG-3'
Protein context (NP_001120650.1, residues 390-410): RLYLEEKHSE[Val400Ala]LFNLGSKVLR